The following is an entry in ClinVar:

NC_000005.10:g.112707345T>C

Gene: APC (APC regulator of Wnt signaling pathway; plus strand). Cytogenetic location: 5q22.2.
Variant type: single nucleotide variant.
Genome position: GRCh38 VCF-style: chr5-112707345-T-C. GRCh37 (hg19) VCF-style: chr5-112043042-T-C.
Identifiers: ClinVar variation 1021742 (VCV001021742.8), dbSNP rs1750550286, ClinGen allele CA1573442182.

ClinVar aggregate classification (germline): Uncertain significance (1 of 4 stars; one submission).

Conditions:
Familial adenomatous polyposis 1 (FAP1). Also called: POLYPOSIS, ADENOMATOUS INTESTINAL; FAMILIAL ADENOMATOUS POLYPOSIS 1, ATTENUATED. Identifiers: MedGen C2713442, MONDO:0021056, OMIM 175100. Disease mechanism: loss of function.

Submission:

Labcorp Genetics (formerly Invitae), Labcorp
Classification: Uncertain significance for Familial adenomatous polyposis 1. Last evaluated: 2024-08-07. Review status: criteria provided, single submitter. Criteria: Invitae Variant Classification Sherloc (09022015). Collection method: clinical testing. Allele origin: germline.
Comment: This variant occurs in a non-coding region of the APC gene. It does not change the encoded amino acid sequence of the APC protein. This variant is not present in population databases (gnomAD no frequency). This variant has not been reported in the literature in individuals affected with APC-related conditions. Experimental studies and prediction algorithms are not available or were not evaluated, and the functional significance of this variant is currently unknown. In summary, the available evidence is currently insufficient to determine the role of this variant in disease. Therefore, it has been classified as a Variant of Uncertain Significance.